The following is an entry in ClinVar:

ClinVar aggregate classification (germline): Uncertain significance (1 of 4 stars; one submission).

Allele frequency attached by ClinVar (database versions not stated): TOPMed 0.00001; gnomAD 0.00003.
gnomAD v4.1: 15 of 1,613,628 alleles (0.00093%); highest among the groups gnomAD compares: Admixed American, 0.0067%; no homozygotes.

Submission:

Labcorp Genetics (formerly Invitae), Labcorp
Classification: Uncertain significance. Last evaluated: 2022-10-28. Review status: criteria provided, single submitter. Criteria: Invitae Variant Classification Sherloc (09022015). Collection method: clinical testing. Allele origin: germline.
Comment: This sequence change replaces arginine, which is basic and polar, with histidine, which is basic and polar, at codon 352 of the GRM6 protein (p.Arg352His). This variant is present in population databases (rs752378620, gnomAD 0.0009%). This variant has not been reported in the literature in individuals affected with GRM6-related conditions. ClinVar contains an entry for this variant (Variation ID: 1039567). Advanced modeling of protein sequence and biophysical properties (such as structural, functional, and spatial information, amino acid conservation, physicochemical variation, residue mobility, and thermodynamic stability) performed at Invitae indicates that this missense variant is not expected to disrupt GRM6 protein function. In summary, the available evidence is currently insufficient to determine the role of this variant in disease. Therefore, it has been classified as a Variant of Uncertain Significance.

NM_000843.4(GRM6):c.1055G>A (p.Arg352His)

Genes: GRM6 (glutamate metabotropic receptor 6; minus strand), ZNF454 (zinc finger protein 454; plus strand). Cytogenetic location: 5q35.3.
Variant type: single nucleotide variant.
Coding change: c.1055G>A on transcript NM_000843.4 (MANE Select); coding-DNA position 1055, G replaced by A.
Protein change: p.Arg352His; replaces arginine 352 with histidine.
Molecular consequence: missense variant.
Genome position (GRCh38, 1-based): chr5:178,989,363, C>T on the plus strand (G>A on the coding strand, the complement: GRM6 is on the minus strand). VCF-style: chr5-178989363-C-T. GRCh37 (hg19) VCF-style: chr5-178416364-C-T.
Other names: short protein forms R352H.
Identifiers: ClinVar variation 1039567 (VCV001039567.6), dbSNP rs752378620, ClinGen allele CA3594244.